The following is an entry in ClinVar:

ClinVar aggregate classification (germline): Uncertain significance. Review status: criteria provided, multiple submitters, no conflicts (2 of 4 stars). 2 submissions from 2 submitters: Uncertain significance (2). Last evaluated 2025-04-03.

Conditions:
Inborn genetic diseases. Identifiers: MedGen C0950123, MeSH D030342.
Combined immunodeficiency due to LRBA deficiency. Also called: Common variable immunodeficiency 8, with autoimmunity. Identifiers: Orphanet 445018, MedGen C3553512, MONDO:0013863, OMIM 614700.

Allele frequency attached by ClinVar (database versions not stated): ExAC 0.00001; gnomAD 0.00001; gnomAD exomes 0.00001; TOPMed 0.00002.
gnomAD v4.1: 8 of 1,613,848 alleles (0.0005%); highest among the groups gnomAD compares: Admixed American, 0.0067%; no homozygotes.

Submissions (2):

Ambry Genetics
Classification: Uncertain significance for Inborn genetic diseases. Last evaluated: 2025-04-03. Review status: criteria provided, single submitter. Criteria: Ambry Variant Classification Scheme 2023. Collection method: clinical testing. Allele origin: germline.

Labcorp Genetics (formerly Invitae), Labcorp
Classification: Uncertain significance for Combined immunodeficiency due to LRBA deficiency. Last evaluated: 2024-01-24. Review status: criteria provided, single submitter. Criteria: Invitae Variant Classification Sherloc (09022015). Collection method: clinical testing. Allele origin: germline.
Comment: This sequence change replaces glycine, which is neutral and non-polar, with glutamic acid, which is acidic and polar, at codon 970 of the LRBA protein (p.Gly970Glu). This variant is present in population databases (rs764596591, gnomAD 0.009%). This variant has not been reported in the literature in individuals affected with LRBA-related conditions. Advanced modeling of protein sequence and biophysical properties (such as structural, functional, and spatial information, amino acid conservation, physicochemical variation, residue mobility, and thermodynamic stability) performed at Invitae indicates that this missense variant is not expected to disrupt LRBA protein function with a negative predictive value of 80%. In summary, the available evidence is currently insufficient to determine the role of this variant in disease. Therefore, it has been classified as a Variant of Uncertain Significance.

NM_001364905.1(LRBA):c.2909G>A (p.Gly970Glu)

Gene: LRBA (LPS responsive beige-like anchor protein; minus strand). Cytogenetic location: 4q31.3.
Variant type: single nucleotide variant.
Coding change: c.2909G>A on transcript NM_001364905.1 (MANE Select); coding-DNA position 2909, G replaced by A.
Protein change: p.Gly970Glu; replaces glycine 970 with glutamic acid.
Molecular consequence: missense variant.
Genome position (GRCh38, 1-based): chr4:150,852,801, C>T on the plus strand (G>A on the coding strand, the complement: LRBA is on the minus strand). VCF-style: chr4-150852801-C-T. GRCh37 (hg19) VCF-style: chr4-151773953-C-T.
Other names: c.2909G>A, p.Gly970Glu (NM_001199282.3, NM_001367550.1, NM_006726.5); short protein forms G970E.
Identifiers: ClinVar variation 3002167 (VCV003002167.4), dbSNP rs764596591, ClinGen allele CA3103124.